The following is an entry in ClinVar:

ClinVar aggregate classification (germline): Uncertain significance (1 of 4 stars; one submission).

Conditions:
Neurodevelopmental disorder. Identifiers: MedGen C1535926, MeSH D065886, MONDO:0700092.

Submission:

Broad Center for Mendelian Genomics, Broad Institute of MIT and Harvard
Classification: Uncertain significance for Neurodevelopmental disorder. Last evaluated: 2026-03-02. Review status: criteria provided, single submitter. Criteria: ACMG Guidelines, 2015. Collection method: research. Allele origin: germline. Inheritance: Autosomal dominant inheritance.
Comment: Trio exome analysis showed this variant to be de novo. The p.Ala70Glu variant in H2AX has not been previously reported in the literature in individuals with neurodevelopmental disorders, and was absent from large population studies. Computational prediction tools and conservation analyses suggest that this variant may impact the protein, though this information is not predictive enough to determine an impact. While variants in the H2AX gene have been reported in individuals with neurodevelopmental disorders, this association has not been definitively established. In summary, given the limited information about this gene-disease relationship, the significance of the p.Ala70Glu variant is uncertain.

NM_002105.3(H2AX):c.209C>A (p.Ala70Glu)

Genes: DPAGT1 (dolichyl-phosphate N-acetylglucosaminephosphotransferase 1; minus strand), H2AX (H2A.X variant histone; minus strand). Cytogenetic location: 11q23.3.
Variant type: single nucleotide variant.
Coding change: c.209C>A on transcript NM_002105.3 (MANE Select); coding-DNA position 209, C replaced by A.
Protein change: p.Ala70Glu; replaces alanine 70 with glutamic acid.
Molecular consequence: missense variant.
Genome position (GRCh38, 1-based): chr11:119,095,186, G>T on the plus strand (C>A on the coding strand, the complement: H2AX is on the minus strand). VCF-style: chr11-119095186-G-T. GRCh37 (hg19) VCF-style: chr11-118965896-G-T.
Other names: NM_002105.3:c.209C>A; short protein forms A70E.
Identifiers: ClinVar variation 4819474 (VCV004819474.1).